The following is an entry in ClinVar:

ClinVar aggregate classification (germline): Uncertain significance (1 of 4 stars; one submission).

Submission:

Ambry Genetics
Classification: Uncertain significance. Last evaluated: 2026-03-01. Review status: criteria provided, single submitter. Criteria: Ambry Variant Classification Scheme 2023. Collection method: clinical testing. Allele origin: germline.
Comment: The p.T770A variant (also known as c.2308A>G), located in coding exon 1 of the MLH3 gene, results from an A to G substitution at nucleotide position 2308. The threonine at codon 770 is replaced by alanine, an amino acid with similar properties. This amino acid position is conserved. In addition, this alteration is predicted to be tolerated by in silico analysis. Based on the available evidence, the clinical significance of this variant remains unclear.

NM_001040108.2(MLH3):c.2308A>G (p.Thr770Ala)

Gene: MLH3 (mutL homolog 3; minus strand). Cytogenetic location: 14q24.3.
Variant type: single nucleotide variant.
Coding change: c.2308A>G on transcript NM_001040108.2 (MANE Select); coding-DNA position 2308, A replaced by G.
Protein change: p.Thr770Ala; replaces threonine 770 with alanine.
Molecular consequence: missense variant.
Genome position (GRCh38, 1-based): chr14:75,047,348, T>C on the plus strand (A>G on the coding strand, the complement: MLH3 is on the minus strand). VCF-style: chr14-75047348-T-C. GRCh37 (hg19) VCF-style: chr14-75514051-T-C.
Other names: c.2308A>G, p.Thr770Ala (NM_014381.3); short protein forms T770A.
Identifiers: ClinVar variation 4844328 (VCV004844328.1).